The following is an entry in ClinVar:

ClinVar aggregate classification (germline): Uncertain significance. Review status: criteria provided, multiple submitters, no conflicts (2 of 4 stars). 2 submissions from 2 submitters: Uncertain significance (2). Last evaluated 2021-12-03.

Conditions:
LAMA2-related muscular dystrophy (LAMA2-RD). Also called: Laminin alpha 2-related dystrophy. Identifiers: MedGen C5679788, MONDO:0100228.

Allele frequency attached by ClinVar (database versions not stated): gnomAD exomes 0.00001.
gnomAD v4.1: 3 of 1,613,856 alleles (0.00019%); highest among the groups gnomAD compares: Non-Finnish European, 0.00025%; no homozygotes.

Submissions (2):

Labcorp Genetics (formerly Invitae), Labcorp
Classification: Uncertain significance for LAMA2-related muscular dystrophy. Last evaluated: 2021-12-03. Review status: criteria provided, single submitter. Criteria: Invitae Variant Classification Sherloc (09022015). Collection method: clinical testing. Allele origin: germline.
Comment: In summary, the available evidence is currently insufficient to determine the role of this variant in disease. Therefore, it has been classified as a Variant of Uncertain Significance. Advanced modeling of protein sequence and biophysical properties (such as structural, functional, and spatial information, amino acid conservation, physicochemical variation, residue mobility, and thermodynamic stability) performed at Invitae indicates that this missense variant is not expected to disrupt LAMA2 protein function. This variant has not been reported in the literature in individuals affected with LAMA2-related conditions. This variant is not present in population databases (gnomAD no frequency). This sequence change replaces threonine, which is neutral and polar, with serine, which is neutral and polar, at codon 1671 of the LAMA2 protein (p.Thr1671Ser).

Mayo Clinic Laboratories, Mayo Clinic
Classification: Uncertain significance. Last evaluated: 2021-04-27. Review status: criteria provided, single submitter. Criteria: ACMG Guidelines, 2015. Collection method: clinical testing. Allele origin: germline.

NM_000426.4(LAMA2):c.5012C>G (p.Thr1671Ser)

Gene: LAMA2 (laminin subunit alpha 2; plus strand). Cytogenetic location: 6q22.33.
Variant type: single nucleotide variant.
Coding change: c.5012C>G on transcript NM_000426.4 (MANE Select); coding-DNA position 5012, C replaced by G.
Protein change: p.Thr1671Ser; replaces threonine 1671 with serine.
Molecular consequence: missense variant.
Genome position (GRCh38, 1-based): chr6:129,383,174, C>G. VCF-style: chr6-129383174-C-G. GRCh37 (hg19) VCF-style: chr6-129704319-C-G.
Other names: p.Thr1671Ser; c.5012C>G, p.Thr1671Ser (NM_001079823.2); short protein forms T1671S.
Identifiers: ClinVar variation 1437325 (VCV001437325.9), dbSNP rs2114654061, ClinGen allele CA365628646.
Genomic context (GRCh38, chr6:129,383,174, plus strand): 5'-ATCATTAGGCTACCAAAGTGACAGCAGATGGCGAGCAGACCGGACAGGATGCTGAGAGGA[C>G]CAACACAAGAGCAAAGTCCCTGGGAGAATTCATTAAGGAGCTTGCCCGGGATGCAGAAGG-3'
Protein context (NP_000417.3, residues 1661-1681): GEQTGQDAER[Thr1671Ser]NTRAKSLGEF